The following is an entry in ClinVar:

ClinVar aggregate classification (germline): Likely benign. Review status: criteria provided, single submitter (1 of 4 stars). 2 submissions from 2 submitters: Likely benign (1). 1 of the submissions does not count toward it. Last evaluated 2023-11-06.

Conditions:
SMPD1-related disorder. Also called: SMPD1-related condition.
Niemann-Pick disease, type A. Also called: Infantile Neurovisceral ASMD (Niemann-Pick Disease Type A; NPD-A); SPHINGOMYELIN LIPIDOSIS; SPHINGOMYELINASE DEFICIENCY. Identifiers: Orphanet 77292, MedGen C0268242, MONDO:0009756, OMIM 257200. Disease mechanism: loss of function.
Niemann-Pick disease, type B. Also called: Chronic Visceral ASMD (Niemann-Pick Disease Type B; NPD-B). Identifiers: Orphanet 77293, MedGen C0268243, MONDO:0011871, OMIM 607616. Disease mechanism: loss of function.

Allele frequency attached by ClinVar (database versions not stated): gnomAD exomes 0.00001.
gnomAD v4.1: 20 of 1,614,240 alleles (0.0012%); highest among the groups gnomAD compares: Non-Finnish European, 0.0017%; 2 homozygotes.

Submissions (2):

Labcorp Genetics (formerly Invitae), Labcorp
Classification: Likely benign for Niemann-Pick disease, type B; Niemann-Pick disease, type A. Last evaluated: 2023-11-06. Review status: criteria provided, single submitter. Criteria: Invitae Variant Classification Sherloc (09022015). Collection method: clinical testing. Allele origin: germline.

PreventionGenetics, part of Exact Sciences
Classification: Likely benign for SMPD1-related condition. Last evaluated: 2024-03-23. Review status: no assertion criteria provided. Collection method: clinical testing. Allele origin: germline. Not counted in ClinVar's aggregate classification.
Comment: This variant is classified as likely benign based on ACMG/AMP sequence variant interpretation guidelines (Richards et al. 2015 PMID: 25741868, with internal and published modifications).

NM_000543.5(SMPD1):c.1644C>T (p.Pro548=)

Gene: SMPD1 (sphingomyelin phosphodiesterase 1; plus strand). Cytogenetic location: 11p15.4.
Variant type: single nucleotide variant.
Coding change: c.1644C>T on transcript NM_000543.5 (MANE Select); coding-DNA position 1644, C replaced by T.
Protein change: p.Pro548=; no amino-acid change (proline 548 retained).
Molecular consequence: synonymous variant. On other transcripts: 3 prime UTR variant (1), non-coding transcript variant (2).
Genome position (GRCh38, 1-based): chr11:6,394,355, C>T. VCF-style: chr11-6394355-C-T. GRCh37 (hg19) VCF-style: chr11-6415585-C-T.
Other names: c.1644C>T (NM_000543.4); c.1641C>T, p.Pro547= (NM_001007593.3); c.*137C>T (NM_001318087.2); c.723C>T, p.Pro241= (NM_001318088.2); c.1512C>T, p.Pro504= (NM_001365135.2).
Identifiers: ClinVar variation 1109757 (VCV001109757.10), dbSNP rs2134023668, ClinGen allele CA472910066.